The following is an entry in ClinVar:

ClinVar aggregate classification (germline): Uncertain significance (1 of 4 stars; one submission).

gnomAD v4.1: 2 of 1,614,106 alleles (0.00012%); highest among the groups gnomAD compares: Non-Finnish European, 0.00017%; no homozygotes.

Submission:

GeneDx
Classification: Uncertain significance. Last evaluated: 2024-10-07. Review status: criteria provided, single submitter. Criteria: GeneDx Variant Classification Process June 2021. Collection method: clinical testing. Allele origin: germline. Affected: yes.
Comment: Not observed at significant frequency in large population cohorts (gnomAD); In silico analysis indicates that this missense variant does not alter protein structure/function; Has not been previously published as pathogenic or benign to our knowledge

NM_018489.3(ASH1L):c.517C>T (p.Pro173Ser)

Gene: ASH1L (ASH1 like histone lysine methyltransferase; minus strand). Cytogenetic location: 1q22.
Variant type: single nucleotide variant.
Coding change: c.517C>T on transcript NM_018489.3 (MANE Select); coding-DNA position 517, C replaced by T.
Protein change: p.Pro173Ser; replaces proline 173 with serine.
Molecular consequence: missense variant.
Genome position (GRCh38, 1-based): chr1:155,482,353, G>A on the plus strand (C>T on the coding strand, the complement: ASH1L is on the minus strand). VCF-style: chr1-155482353-G-A. GRCh37 (hg19) VCF-style: chr1-155452144-G-A.
Other names: c.517C>T, p.Pro173Ser (NM_001366177.2); short protein forms P173S.
Identifiers: ClinVar variation 3777427 (VCV003777427.1).